The following is an entry in ClinVar:

ClinVar aggregate classification (germline): Uncertain significance (1 of 4 stars; one submission).

Conditions:
Hereditary nonpolyposis colorectal neoplasms. Identifiers: MedGen C0009405, MeSH D003123.

Submission:

Labcorp Genetics (formerly Invitae), Labcorp
Classification: Uncertain significance for Hereditary nonpolyposis colorectal neoplasms. Last evaluated: 2019-06-06. Review status: criteria provided, single submitter. Criteria: Invitae Variant Classification Sherloc (09022015). Collection method: clinical testing. Allele origin: germline.
Comment: In summary, the available evidence is currently insufficient to determine the role of this variant in disease. Therefore, it has been classified as a Variant of Uncertain Significance. Algorithms developed to predict the effect of missense changes on protein structure and function (SIFT, PolyPhen-2, Align-GVGD) all suggest that this variant is likely to be disruptive, but these predictions have not been confirmed by published functional studies and their clinical significance is uncertain. This variant has not been reported in the literature in individuals with PMS2-related conditions. The frequency data for this variant in the population databases (ExAC) is considered unreliable due to the presence of homologous sequence, such as pseudogenes or paralogs, in the genome. This sequence change replaces proline with alanine at codon 844 of the PMS2 protein (p.Pro844Ala). The proline residue is highly conserved and there is a small physicochemical difference between proline and alanine.

NM_000535.7(PMS2):c.2530C>G (p.Pro844Ala)

Gene: PMS2 (PMS1 homolog 2, mismatch repair system component; minus strand). Cytogenetic location: 7p22.1.
Variant type: single nucleotide variant.
Coding change: c.2530C>G on transcript NM_000535.7 (MANE Select); coding-DNA position 2530, C replaced by G.
Protein change: p.Pro844Ala; replaces proline 844 with alanine.
Molecular consequence: missense variant. On other transcripts: non-coding transcript variant (1).
Genome position (GRCh38, 1-based): chr7:5,973,458, G>C on the plus strand (C>G on the coding strand, the complement: PMS2 is on the minus strand). VCF-style: chr7-5973458-G-C. GRCh37 (hg19) VCF-style: chr7-6013089-G-C.
Other names: c.2125C>G, p.Pro709Ala (NM_001322003.2, NM_001322004.2, NM_001322005.2); c.2374C>G, p.Pro792Ala (NM_001322006.2); c.2212C>G, p.Pro738Ala (NM_001322007.2, NM_001322008.2); c.2158C>G, p.Pro720Ala (NM_001322009.2); c.1969C>G, p.Pro657Ala (NM_001322010.2); c.1597C>G, p.Pro533Ala (NM_001322011.2, NM_001322012.2); c.1957C>G, p.Pro653Ala (NM_001322013.2); c.2563C>G, p.Pro855Ala (NM_001322014.2); and 1 more; short protein forms P653A, P657A, P720A, P792A, P844A, P741A, P738A, P533A.
Identifiers: ClinVar variation 940906 (VCV000940906.9), dbSNP rs1781490910, ClinGen allele CA366734856.
Genomic context (GRCh38, chr7:5,973,458, plus strand): 5'-GTCAGTTCTGAGAAATGACACCCAGGTTGGCGATGTGTCTCATGGTTGGCCTTCCATGGG[G>C]ACAGTTCCAGGGGTGGTCCATCTCCCCCATGTGGGTGATCAGTTTCTTCATCTCGCTTGT-3'
Protein context (NP_000526.2, residues 834-854): MGEMDHPWNC[Pro844Ala]HGRPTMRHIA